The following is an entry in ClinVar:

ClinVar aggregate classification (germline): Conflicting classifications of pathogenicity. Review status: criteria provided, conflicting classifications (1 of 4 stars). 2 submissions from 2 submitters: Uncertain significance (1); Likely benign (1). Last evaluated 2025-08-10.

Conditions:
Hereditary cancer-predisposing syndrome. Also called: Neoplastic Syndromes, Hereditary; Hereditary neoplastic syndrome; Tumor predisposition; Hereditary Cancer Syndrome. Identifiers: Orphanet 140162, MedGen C0027672, MeSH D009386, MONDO:0015356.
POLD1-related polyposis and colorectal cancer syndrome (CRCS10). Also called: Colorectal cancer 10; COLORECTAL CANCER, SUSCEPTIBILITY TO, ON CHROMOSOME 19q; Colorectal cancer, susceptibility to, 10. Identifiers: Orphanet 220460, MedGen C2675481, MONDO:0012953, OMIM 612591.

Allele frequency attached by ClinVar (database versions not stated): gnomAD exomes below 0.00001.
gnomAD v4.1: 2 of 1,612,592 alleles (0.00012%); highest among the groups gnomAD compares: Non-Finnish European, 0.00017%; no homozygotes.

Submissions (2):

Labcorp Genetics (formerly Invitae), Labcorp
Classification: Uncertain significance for POLD1-related polyposis and colorectal cancer syndrome. Last evaluated: 2025-08-10. Review status: criteria provided, single submitter. Criteria: Invitae Variant Classification Sherloc (09022015). Collection method: clinical testing. Allele origin: germline.
Comment: This sequence change replaces leucine, which is neutral and non-polar, with valine, which is neutral and non-polar, at codon 774 of the POLD1 protein (p.Leu774Val). This variant is not present in population databases (gnomAD no frequency). This variant has not been reported in the literature in individuals affected with POLD1-related conditions. ClinVar contains an entry for this variant (Variation ID: 469250). Invitae Evidence Modeling of protein sequence and biophysical properties (such as structural, functional, and spatial information, amino acid conservation, physicochemical variation, residue mobility, and thermodynamic stability) indicates that this missense variant is not expected to disrupt POLD1 protein function with a negative predictive value of 80%. In summary, the available evidence is currently insufficient to determine the role of this variant in disease. Therefore, it has been classified as a Variant of Uncertain Significance.

Ambry Genetics
Classification: Likely benign for Hereditary cancer-predisposing syndrome. Last evaluated: 2024-03-28. Review status: criteria provided, single submitter. Criteria: Ambry Variant Classification Scheme 2023. Collection method: clinical testing. Allele origin: germline.

NM_002691.4(POLD1):c.2320C>G (p.Leu774Val)

Gene: POLD1 (DNA polymerase delta 1, catalytic subunit; plus strand). Cytogenetic location: 19q13.33.
Variant type: single nucleotide variant.
Coding change: c.2320C>G on transcript NM_002691.4 (MANE Select); coding-DNA position 2320, C replaced by G.
Protein change: p.Leu774Val; replaces leucine 774 with valine.
Molecular consequence: missense variant. On other transcripts: non-coding transcript variant (1).
Genome position (GRCh38, 1-based): chr19:50,413,811, C>G. VCF-style: chr19-50413811-C-G. GRCh37 (hg19) VCF-style: chr19-50917068-C-G.
Other names: c.2320C>G, p.Leu774Val (NM_001256849.1); c.2398C>G, p.Leu800Val (NM_001308632.1); c.2320C>G (NM_002691.2); short protein forms L774V, L800V.
Identifiers: ClinVar variation 469250 (VCV000469250.10), dbSNP rs1197236198, ClinGen allele CA406984169.